The following is an entry in ClinVar:

ClinVar aggregate classification (germline): Benign (1 of 4 stars; one submission).

Allele frequency attached by ClinVar (database versions not stated): TOPMed 0.05940; gnomAD 0.06045; 1000 Genomes Project 30x 0.09697; 1000 Genomes Project 0.09744.
gnomAD v4.1: 9,342 of 152,278 alleles (6.1%); highest among the groups gnomAD compares: South Asian, 15%; 559 homozygotes.

Submission:

GeneDx
Classification: Benign. Last evaluated: 2018-06-14. Review status: criteria provided, single submitter. Criteria: GeneDx Variant Classification (06012015). Collection method: clinical testing. Allele origin: germline. Affected: yes.
Comment: This variant is considered likely benign or benign based on one or more of the following criteria: it is a conservative change, it occurs at a poorly conserved position in the protein, it is predicted to be benign by multiple in silico algorithms, and/or has population frequency not consistent with disease.

NM_001276345.2(TNNT2):c.720-232C>T

Gene: TNNT2 (troponin T2, cardiac type; minus strand). Cytogenetic location: 1q32.1.
Variant type: single nucleotide variant.
Coding change: c.720-232C>T on transcript NM_001276345.2 (MANE Select); 232 bases into the intron before coding-DNA position 720, C replaced by T.
Molecular consequence: intron variant.
Genome position (GRCh38, 1-based): chr1:201,361,601, G>A on the plus strand (C>T on the coding strand, the complement: TNNT2 is on the minus strand). VCF-style: chr1-201361601-G-A. GRCh37 (hg19) VCF-style: chr1-201330729-G-A.
Other names: c.672-232C>T (NM_001001432.3); c.681-232C>T (NM_001001431.3); c.690-232C>T (NM_001001430.3, NM_001276347.2); c.591-232C>T (NM_001276346.2); c.711-232C>T (NM_000364.4).
Identifiers: ClinVar variation 674193 (VCV000674193.1), dbSNP rs3730240, ClinGen allele CA35418359.